The following is an entry in ClinVar:

NM_000051.4(ATM):c.6109G>C (p.Glu2037Gln)

Genes: ATM (ATM serine/threonine kinase; plus strand), C11orf65 (chromosome 11 open reading frame 65; minus strand). Cytogenetic location: 11q22.3.
Variant type: single nucleotide variant.
Coding change: c.6109G>C on transcript NM_000051.4 (MANE Select); coding-DNA position 6109, G replaced by C.
Protein change: p.Glu2037Gln; replaces glutamic acid 2037 with glutamine.
Molecular consequence: missense variant. On other transcripts: intron variant (2).
Genome position (GRCh38, 1-based): chr11:108,316,024, G>C. VCF-style: chr11-108316024-G-C. GRCh37 (hg19) VCF-style: chr11-108186751-G-C.
Other names: c.6109G>C, p.Glu2037Gln (NM_001351834.2); c.641-6953C>G (NM_001330368.2); c.*39-6953C>G (NM_001351110.2); short protein forms E2037Q.
Identifiers: ClinVar variation 1037740 (VCV001037740.9), dbSNP rs1448711296, ClinGen allele CA382550351.
Genomic context (GRCh38, chr11:108,316,024, plus strand): 5'-TATGTGTGTGTAAAACCCAAAGCTATTTTCACAATCTTTTCTTATAGACTACGAACATAT[G>C]AACACGAAGCAATGTGGGGCAAAGCCCTAGTAACATATGACCTCGAAACAGCAATCCCCT-3'
Protein context (NP_000042.3, residues 2027-2047): LQPITRLRTY[Glu2037Gln]HEAMWGKALV

ClinVar aggregate classification (germline): Uncertain significance (1 of 4 stars; one submission).

Conditions:
Ataxia-telangiectasia syndrome (AT). Also called: Ataxia telangiectasia (A-T); ATAXIA-TELANGIECTASIA, COMPLEMENTATION GROUP A; ATAXIA-TELANGIECTASIA, FRESNO VARIANT; Ataxia-telangiectasia; Ataxia-telangiectasia, complementation group E; LOUIS-BAR SYNDROME. Identifiers: Orphanet 100, MedGen C0004135, MONDO:0008840, OMIM 208900.

Submission:

Labcorp Genetics (formerly Invitae), Labcorp
Classification: Uncertain significance for Ataxia-telangiectasia syndrome. Last evaluated: 2020-08-05. Review status: criteria provided, single submitter. Criteria: Invitae Variant Classification Sherloc (09022015). Collection method: clinical testing. Allele origin: germline.
Comment: This sequence change replaces glutamic acid with glutamine at codon 2037 of the ATM protein (p.Glu2037Gln). The glutamic acid residue is highly conserved and there is a small physicochemical difference between glutamic acid and glutamine. This variant is not present in population databases (ExAC no frequency). This variant has not been reported in the literature in individuals with ATM-related conditions. Advanced modeling of protein sequence and biophysical properties (such as structural, functional, and spatial information, amino acid conservation, physicochemical variation, residue mobility, and thermodynamic stability) performed at Invitae indicates that this missense variant is not expected to disrupt ATM protein function. In summary, the available evidence is currently insufficient to determine the role of this variant in disease. Therefore, it has been classified as a Variant of Uncertain Significance.